The following is an entry in ClinVar:

NM_001849.4(COL6A2):c.410C>T (p.Ala137Val)

Gene: COL6A2 (collagen type VI alpha 2 chain; plus strand). Cytogenetic location: 21q22.3.
Variant type: single nucleotide variant.
Coding change: c.410C>T on transcript NM_001849.4 (MANE Select); coding-DNA position 410, C replaced by T.
Protein change: p.Ala137Val; replaces alanine 137 with valine.
Molecular consequence: missense variant.
Genome position (GRCh38, 1-based): chr21:46,112,273, C>T. VCF-style: chr21-46112273-C-T. GRCh37 (hg19) VCF-style: chr21-47532187-C-T.
Other names: c.410C>T, p.Ala137Val (NM_058174.3, NM_058175.3); short protein forms A137V.
Identifiers: ClinVar variation 290489 (VCV000290489.8), dbSNP rs886044462, ClinGen allele CA10606785.

ClinVar aggregate classification (germline): Uncertain significance. Review status: criteria provided, multiple submitters, no conflicts (2 of 4 stars). 2 submissions from 2 submitters: Uncertain significance (2). Last evaluated 2024-12-24.

Conditions:
Bethlem myopathy 1A. Also called: Bethlem Muscular Dystrophy; MYOPATHY, BENIGN CONGENITAL, WITH CONTRACTURES; Bethlem myopathy 1. Identifiers: Orphanet 610, MedGen CN029274, MONDO:0024530, OMIM 158810.

Allele frequency attached by ClinVar (database versions not stated): TOPMed below 0.00001; gnomAD exomes 0.00001 and 0.00002.
gnomAD v4.1: 26 of 1,612,700 alleles (0.0016%); highest among the groups gnomAD compares: East Asian, 0.0022%; no homozygotes.

Submissions (2):

Labcorp Genetics (formerly Invitae), Labcorp
Classification: Uncertain significance for Bethlem myopathy 1A. Last evaluated: 2024-12-24. Review status: criteria provided, single submitter. Criteria: Invitae Variant Classification Sherloc (09022015). Collection method: clinical testing. Allele origin: germline.
Comment: This sequence change replaces alanine, which is neutral and non-polar, with valine, which is neutral and non-polar, at codon 137 of the COL6A2 protein (p.Ala137Val). This variant is present in population databases (no rsID available, gnomAD 0.002%). This variant has not been reported in the literature in individuals affected with COL6A2-related conditions. ClinVar contains an entry for this variant (Variation ID: 290489). Invitae Evidence Modeling of protein sequence and biophysical properties (such as structural, functional, and spatial information, amino acid conservation, physicochemical variation, residue mobility, and thermodynamic stability) indicates that this missense variant is expected to disrupt COL6A2 protein function with a positive predictive value of 80%. In summary, the available evidence is currently insufficient to determine the role of this variant in disease. Therefore, it has been classified as a Variant of Uncertain Significance.

Eurofins Ntd Llc (ga)
Classification: Uncertain significance. Last evaluated: 2016-09-26. Review status: criteria provided, single submitter. Criteria: EGL Classification Definitions 2015. Collection method: clinical testing. Allele origin: germline. Observed: 1 variant allele, 1 heterozygote.